The following is an entry in ClinVar:

NM_001114753.3(ENG):c.268_274del (p.Thr90fs)

Gene: ENG (endoglin; minus strand). Cytogenetic location: 9q34.11.
Variant type: Deletion.
Coding change: c.268_274del on transcript NM_001114753.3 (MANE Select); coding-DNA positions 268 to 274, 7 bases deleted (ACCTGGC; older notation c.268_274delACCTGGC).
Protein change: p.Thr90fs; shifts the reading frame from threonine 90.
Molecular consequence: frameshift variant. On other transcripts: 5 prime UTR variant (1).
Genome position (GRCh38, 1-based): chr9:127,829,773-127,829,779, GCCAGGT deleted on the plus strand (ACCTGGC on the coding strand, the reverse complement: ENG is on the minus strand); deleting any 7 consecutive bases within chr9:127,829,773-127,829,783 gives the same sequence; the c. name uses the placement nearest the transcript's 3' end. VCF-style (leftmost placement, unchanged base first): chr9-127829772-GGCCAGGT-G. GRCh37 (hg19) VCF-style: chr9-130592051-GGCCAGGT-G.
Other names: c.268_274del, p.Thr90fs (NM_000118.4, NM_001406715.1); c.-279_-273del (NM_001278138.2); short protein forms T90fs.
Identifiers: ClinVar variation 2983241 (VCV002983241.3), dbSNP rs2539083217, ClinGen allele CA2740092852.

ClinVar aggregate classification (germline): Pathogenic (1 of 4 stars; one submission).

Conditions:
Hereditary hemorrhagic telangiectasia (HHT). Also called: ORW DISEASE; Osler Weber Rendu syndrome; OSLER-RENDU-WEBER DISEASE; Osler hemorrhagic telangiectasia syndrome. Identifiers: Orphanet 774, MedGen C0039445, MONDO:0019180. Disease mechanism: loss of function.

Submission:

Labcorp Genetics (formerly Invitae), Labcorp
Classification: Pathogenic for Hereditary hemorrhagic telangiectasia. Last evaluated: 2024-01-28. Review status: criteria provided, single submitter. Criteria: Invitae Variant Classification Sherloc (09022015). Collection method: clinical testing. Allele origin: germline.
Comment: This sequence change creates a premature translational stop signal (p.Thr90Profs*10) in the ENG gene. It is expected to result in an absent or disrupted protein product. Loss-of-function variants in ENG are known to be pathogenic (PMID: 15879500). This variant is not present in population databases (gnomAD no frequency). This variant has not been reported in the literature in individuals affected with ENG-related conditions. For these reasons, this variant has been classified as Pathogenic.

Literature cited by the submitters: PubMed 15879500.